The following is an entry in ClinVar:

NM_001267550.2(TTN):c.48850G>A (p.Gly16284Arg)

Genes: TTN (titin; minus strand), TTN-AS1 (TTN antisense RNA 1; plus strand), LOC126806426 (BRD4-independent group 4 enhancer GRCh37_chr2:179478848-179480047; plus strand). Cytogenetic location: 2q31.2.
Variant type: single nucleotide variant.
Coding change: c.48850G>A on transcript NM_001267550.2 (MANE Select); coding-DNA position 48850, G replaced by A.
Protein change: p.Gly16284Arg; replaces glycine 16284 with arginine.
Molecular consequence: missense variant. On other transcripts: non-coding transcript variant (1).
Genome position (GRCh38, 1-based): chr2:178,614,664, C>T on the plus strand (G>A on the coding strand, the complement: TTN is on the minus strand). VCF-style: chr2-178614664-C-T. GRCh37 (hg19) VCF-style: chr2-179479391-C-T.
Other names: p.Gly13716Arg; c.43927G>A, p.Gly14643Arg (NM_001256850.1); c.21655G>A, p.Gly7219Arg (NM_003319.4); c.41146G>A, p.Gly13716Arg (NM_133378.4); c.22030G>A, p.Gly7344Arg (NM_133432.3); c.22231G>A, p.Gly7411Arg (NM_133437.4); short protein forms G16284R, G7219R, G14643R, G7344R, G13716R, G7411R.
Identifiers: ClinVar variation 535028 (VCV000535028.17), dbSNP rs368527534, ClinGen allele CA1994734.
Genomic context (GRCh38, chr2:178,614,664, plus strand): 5'-TTTTGTCCTGCTTCAGAATCATATCAGCCTTTGTCCAAGTTATTTTAGGTTCAGGTTTTC[C>T]GGTTACGGTGGCAGGAAGTTCAATCTTGGTCCCAGCTTTTACAGTGAGACCAGCAAGGAG-3'
Protein context (NP_001254479.2, residues 16274-16294): TKIELPATVT[Gly16284Arg]KPEPKITWTK

ClinVar aggregate classification (germline): Conflicting classifications of pathogenicity. Review status: criteria provided, conflicting classifications (1 of 4 stars). 9 submissions from 5 submitters: Uncertain significance (7); Benign (2). Last evaluated 2026-04-17.

Conditions:
Myopathy, myofibrillar, 9, with early respiratory failure (MFM9). Also called: EDSTROM MYOPATHY; MYOPATHY, PROXIMAL, WITH EARLY RESPIRATORY MUSCLE INVOLVEMENT; Hereditary myopathy with early respiratory failure; Myopathy, distal, with early respiratory failure, autosomal dominant. Identifiers: Orphanet 178464, Orphanet 34521, MedGen C1863599, MONDO:0011362, OMIM 603689.
Autosomal recessive limb-girdle muscular dystrophy type 2J (LGMDR10). Also called: Limb-girdle muscular dystrophy, type 2J; MUSCULAR DYSTROPHY, LIMB-GIRDLE, AUTOSOMAL RECESSIVE 10. Identifiers: Orphanet 140922, MedGen C1837342, MONDO:0012127, OMIM 608807.
Cardiovascular phenotype. Identifiers: MedGen CN230736.
Dilated cardiomyopathy 1G (CMD1G). Identifiers: Orphanet 154, MedGen C1858763, MONDO:0011400, OMIM 604145.
Early-onset myopathy with fatal cardiomyopathy (CMYO5). Also called: CONGENITAL MYOPATHY 5 WITH CARDIOMYOPATHY; Salih Myopathy. Identifiers: Orphanet 289377, MedGen C2673677, MONDO:0012714, OMIM 611705. Disease mechanism: loss of function.
Tibial muscular dystrophy (TMD). Also called: UDD MYOPATHY; Udd Distal Myopathy – Tibial Muscular Dystrophy; Tibial muscular dystrophy, tardive. Identifiers: Orphanet 609, MedGen C1838244, MONDO:0010870, OMIM 600334.

Allele frequency attached by ClinVar (database versions not stated): gnomAD below 0.00001 and 0.00001; TOPMed below 0.00001; ExAC 0.00002; gnomAD exomes 0.00003; ESP Exome Variant Server 0.00008.
gnomAD v4.1: 65 of 1,612,238 alleles (0.004%); highest among the groups gnomAD compares: South Asian, 0.012%; 1 homozygote.

Submissions (9):

Women's Health and Genetics/Laboratory Corporation of America, LabCorp
Classification: Uncertain significance. Last evaluated: 2026-04-17. Review status: criteria provided, single submitter. Criteria: LabCorp Variant Classification Summary - May 2015. Collection method: clinical testing. Allele origin: germline.
Comment: Variant summary: TTN c.41146G>A (p.Gly13716Arg) results in a non-conservative amino acid change in the encoded protein sequence. Algorithms developed to predict the effect of missense changes on protein structure and function all suggest that this variant is likely to be disruptive. The variant allele was found at a frequency of 3.2e-05 in 247404 control chromosomes. The available data on variant occurrences in the general population are insufficient to allow any conclusion about variant significance. To our knowledge, no occurrence of c.41146G>A in individuals affected with TTN-related conditions and no experimental evidence demonstrating its impact on protein function have been reported. ClinVar contains an entry for this variant (Variation ID: 535028). Based on the evidence outlined above, the variant was classified as uncertain significance.

Mayo Clinic Laboratories, Mayo Clinic
Classification: Uncertain significance. Last evaluated: 2025-12-18. Review status: criteria provided, single submitter. Criteria: ACMG Guidelines, 2015. Collection method: clinical testing. Allele origin: germline. Observed: 1 variant allele.
Comment: PP3_moderate, PM2_supporting

Ambry Genetics
Classification: Uncertain significance for Cardiovascular phenotype. Last evaluated: 2019-11-27. Review status: criteria provided, single submitter. Criteria: Ambry Variant Classification Scheme 2023. Collection method: clinical testing. Allele origin: germline.
Comment: The p.G7219R variant (also known as c.21655G>A), located in coding exon 88 of the TTN gene, results from a G to A substitution at nucleotide position 21655. The glycine at codon 7219 is replaced by arginine, an amino acid with dissimilar properties. This amino acid position is highly conserved in available vertebrate species. In addition, the in silico prediction for this alteration is inconclusive. Since supporting evidence is limited at this time, the clinical significance of this alteration remains unclear.

Labcorp Genetics (formerly Invitae), Labcorp
Classification: Uncertain significance for Dilated cardiomyopathy 1G; Autosomal recessive limb-girdle muscular dystrophy type 2J. Last evaluated: 2019-02-11. Review status: criteria provided, single submitter. Criteria: Invitae Variant Classification Sherloc (09022015). Collection method: clinical testing. Allele origin: germline.
Comment: This sequence change replaces glycine with arginine at codon 16284 of the TTN protein (p.Gly16284Arg). There is a moderate physicochemical difference between glycine and arginine. This variant is present in population databases (rs368527534, ExAC 0.01%). This variant has not been reported in the literature in individuals with TTN-related disease. This variant identified in the TTN gene is located in the A band of the resulting protein (PMID: 25589632). It is unclear how this variant impacts the function of this protein. Algorithms developed to predict the effect of missense changes on protein structure and function are unavailable for the TTN gene. Algorithms developed to predict the effect of sequence changes on RNA splicing suggest that this variant may create or strengthen a splice site, but this prediction has not been confirmed by published transcriptional studies. In summary, the available evidence is currently insufficient to determine the role of this variant in disease. Therefore, it has been classified as a Variant of Uncertain Significance.

Illumina Laboratory Services, Illumina
Classification: Uncertain significance for Early-onset myopathy with fatal cardiomyopathy. Last evaluated: 2018-01-13. Review status: criteria provided, single submitter. Criteria: ICSL Variant Classification Criteria 13 December 2019. Collection method: clinical testing. Allele origin: germline.

Illumina Laboratory Services, Illumina
Classification: Benign for Tibial muscular dystrophy. Last evaluated: 2018-01-13. Review status: criteria provided, single submitter. Criteria: ICSL Variant Classification Criteria 13 December 2019. Collection method: clinical testing. Allele origin: germline.
Comment: This variant was observed in the ICSL laboratory as part of a predisposition screen in an ostensibly healthy population. It had not been previously curated by ICSL or reported in the Human Gene Mutation Database (HGMD: prior to June 1st, 2018), and was therefore a candidate for classification through an automated scoring system. Utilizing variant allele frequency, disease prevalence and penetrance estimates, and inheritance mode, an automated score was calculated to assess if this variant is too frequent to cause the disease. Based on the score and internal cut-off values, a variant classified as benign is not then subjected to further curation. The score for this variant resulted in a classification of benign for this disease.

Illumina Laboratory Services, Illumina
Classification: Uncertain significance for Dilated cardiomyopathy 1G. Last evaluated: 2018-01-13. Review status: criteria provided, single submitter. Criteria: ICSL Variant Classification Criteria 13 December 2019. Collection method: clinical testing. Allele origin: germline.

Illumina Laboratory Services, Illumina
Classification: Uncertain significance for Autosomal recessive limb-girdle muscular dystrophy type 2J. Last evaluated: 2018-01-13. Review status: criteria provided, single submitter. Criteria: ICSL Variant Classification Criteria 13 December 2019. Collection method: clinical testing. Allele origin: germline.

Illumina Laboratory Services, Illumina
Classification: Benign for Myopathy, myofibrillar, 9, with early respiratory failure. Last evaluated: 2018-01-13. Review status: criteria provided, single submitter. Criteria: ICSL Variant Classification Criteria 13 December 2019. Collection method: clinical testing. Allele origin: germline.
Comment: the same text as in the submission from Illumina Laboratory Services, Illumina above.

Literature cited by the submitters: PubMed 25589632 (cited by Labcorp Genetics (formerly Invitae), Labcorp).